The following is an entry in ClinVar:

NM_001363711.2(DUOX2):c.3723C>G (p.Ile1241Met)

Gene: DUOX2 (dual oxidase 2; minus strand). Cytogenetic location: 15q21.1.
Variant type: single nucleotide variant.
Coding change: c.3723C>G on transcript NM_001363711.2 (MANE Select); coding-DNA position 3723, C replaced by G.
Protein change: p.Ile1241Met; replaces isoleucine 1241 with methionine.
Molecular consequence: missense variant.
Genome position (GRCh38, 1-based): chr15:45,097,362, G>C on the plus strand (C>G on the coding strand, the complement: DUOX2 is on the minus strand). VCF-style: chr15-45097362-G-C. GRCh37 (hg19) VCF-style: chr15-45389560-G-C.
Other names: c.3723C>G, p.Ile1241Met (NM_014080.5); short protein forms I1241M.
Identifiers: ClinVar variation 3604082 (VCV003604082.2).

ClinVar aggregate classification (germline): Uncertain significance (1 of 4 stars; one submission).

gnomAD v4.1: 12 of 1,614,146 alleles (0.00074%); highest among the groups gnomAD compares: South Asian, 0.0033%; no homozygotes.

Submission:

Labcorp Genetics (formerly Invitae), Labcorp
Classification: Uncertain significance. Last evaluated: 2025-01-20. Review status: criteria provided, single submitter. Criteria: Invitae Variant Classification Sherloc (09022015). Collection method: clinical testing. Allele origin: germline.
Comment: This sequence change replaces isoleucine, which is neutral and non-polar, with methionine, which is neutral and non-polar, at codon 1241 of the DUOX2 protein (p.Ile1241Met). This variant is present in population databases (rs769882380, gnomAD 0.01%). This variant has not been reported in the literature in individuals affected with DUOX2-related conditions. Invitae Evidence Modeling of protein sequence and biophysical properties (such as structural, functional, and spatial information, amino acid conservation, physicochemical variation, residue mobility, and thermodynamic stability) indicates that this missense variant is expected to disrupt DUOX2 protein function with a positive predictive value of 80%. In summary, the available evidence is currently insufficient to determine the role of this variant in disease. Therefore, it has been classified as a Variant of Uncertain Significance.